The following is an entry in ClinVar:

ClinVar aggregate classification (germline): Benign (1 of 4 stars; one submission).

Conditions:
Neuroblastoma (NB). Identifiers: Orphanet 635, MedGen C0027819, MeSH D009447, MONDO:0005072, HP:0003006.

Allele frequency attached by ClinVar (database versions not stated): gnomAD exomes 0.00133; 1000 Genomes Project 0.00439; 1000 Genomes Project 30x 0.00484; gnomAD 0.00536 and 0.00563; TOPMed 0.00616.
gnomAD v4.1: 889 of 208,356 alleles (0.43%); highest among the groups gnomAD compares: African/African-American, 1.9%; 7 homozygotes.

Submission:

Illumina Laboratory Services, Illumina
Classification: Benign for Neuroblastoma. Last evaluated: 2018-01-12. Review status: criteria provided, single submitter. Criteria: ICSL Variant Classification Criteria 13 December 2019. Collection method: clinical testing. Allele origin: germline.
Comment: This variant was observed in the ICSL laboratory as part of a predisposition screen in an ostensibly healthy population. It had not been previously curated by ICSL or reported in the Human Gene Mutation Database (HGMD: prior to June 1st, 2018), and was therefore a candidate for classification through an automated scoring system. Utilizing variant allele frequency, disease prevalence and penetrance estimates, and inheritance mode, an automated score was calculated to assess if this variant is too frequent to cause the disease. Based on the score and internal cut-off values, a variant classified as benign is not then subjected to further curation. The score for this variant resulted in a classification of benign for this disease.

NM_001365951.3(KIF1B):c.*3742T>C

Gene: KIF1B (kinesin family member 1B; plus strand). Cytogenetic location: 1p36.22.
Variant type: single nucleotide variant.
Coding change: c.*3742T>C on transcript NM_001365951.3 (MANE Select); 3742 bases downstream of the stop codon, T replaced by C.
Molecular consequence: 3 prime UTR variant.
Genome position (GRCh38, 1-based): chr1:10,380,329, T>C. VCF-style: chr1-10380329-T-C. GRCh37 (hg19) VCF-style: chr1-10440387-T-C.
Other names: c.*3742T>C (NM_001365952.1, NM_015074.3).
Identifiers: ClinVar variation 291649 (VCV000291649.5), dbSNP rs78868210, ClinGen allele CA10607248.